The following is an entry in ClinVar:

NM_012179.4(FBXO7):c.418-2A>T

Gene: FBXO7 (F-box protein 7; plus strand). Cytogenetic location: 22q12.3.
Variant type: single nucleotide variant.
Coding change: c.418-2A>T on transcript NM_012179.4 (MANE Select); the canonical splice acceptor site of the intron before coding-DNA position 418, A replaced by T.
Molecular consequence: splice acceptor variant.
Genome position (GRCh38, 1-based): chr22:32,483,895, A>T. VCF-style: chr22-32483895-A-T. GRCh37 (hg19) VCF-style: chr22-32879882-A-T.
Other names: c.76-2A>T (NM_001257990.2); c.181-2A>T (NM_001033024.2).
Identifiers: ClinVar variation 2959104 (VCV002959104.4), dbSNP rs762209257, ClinGen allele CA10201429.

ClinVar aggregate classification (germline): Likely pathogenic (1 of 4 stars; one submission).

Conditions:
Parkinsonian-pyramidal syndrome. Also called: PARKINSON DISEASE 15, AUTOSOMAL RECESSIVE; PALLIDOPYRAMIDAL SYNDROME; PARKINSON DISEASE 15, AUTOSOMAL RECESSIVE EARLY-ONSET. Identifiers: Orphanet 171695, MedGen C1850100, MONDO:0009830, OMIM 260300.

Allele frequency attached by ClinVar (database versions not stated): TOPMed below 0.00001; gnomAD 0.00001.
gnomAD v4.1: 6 of 1,613,340 alleles (0.00037%); highest among the groups gnomAD compares: Non-Finnish European, 0.00051%; no homozygotes.

Submissions (3):

Labcorp Genetics (formerly Invitae), Labcorp
Classification: Likely pathogenic for Parkinsonian-pyramidal syndrome. Last evaluated: 2022-12-05. Review status: criteria provided, single submitter. Criteria: Invitae Variant Classification Sherloc (09022015). Collection method: clinical testing. Allele origin: germline.
Comment: This sequence change affects an acceptor splice site in intron 2 of the FBXO7 gene. It is expected to disrupt RNA splicing. Variants that disrupt the donor or acceptor splice site typically lead to a loss of protein function (PMID: 16199547), and loss-of-function variants in FBXO7 are known to be pathogenic (PMID: 21347293). The frequency data for this variant in the population databases is considered unreliable, as metrics indicate poor data quality at this position in the gnomAD database. In summary, the currently available evidence indicates that the variant is pathogenic, but additional data are needed to prove that conclusively. Therefore, this variant has been classified as Likely Pathogenic. Algorithms developed to predict the effect of sequence changes on RNA splicing suggest that this variant may disrupt the consensus splice site. This variant has not been reported in the literature in individuals affected with FBXO7-related conditions.

Dr. Peter K. Rogan Lab, Western University
No classification provided (evidence only). Condition: Clear cell carcinoma of kidney. Review status: no classification provided. Collection method: in vitro. Allele origin: not applicable. Functional consequence: retained intron. Not counted in ClinVar's aggregate classification.

Dr. Peter K. Rogan Lab, Western University
No classification provided (evidence only). Condition: Glioma susceptibility 1. Review status: no classification provided. Collection method: in vitro. Allele origin: not applicable. Functional consequence: cryptic splice site. Not counted in ClinVar's aggregate classification.

Literature cited by the submitters: PubMed 16199547 (cited by Labcorp Genetics (formerly Invitae), Labcorp); PubMed 21347293 (cited by Labcorp Genetics (formerly Invitae), Labcorp).